The following is an entry in ClinVar:

ClinVar aggregate classification (germline): Pathogenic (1 of 4 stars; one submission).

Submission:

Labcorp Genetics (formerly Invitae), Labcorp
Classification: Pathogenic. Last evaluated: 2024-10-21. Review status: criteria provided, single submitter. Criteria: Invitae Variant Classification Sherloc (09022015). Collection method: clinical testing. Allele origin: germline.
Comment: This sequence change creates a premature translational stop signal (p.Ser858*) in the KIF11 gene. It is expected to result in an absent or disrupted protein product. Loss-of-function variants in KIF11 are known to be pathogenic (PMID: 22284827, 24281367). This variant is not present in population databases (gnomAD no frequency). This variant has not been reported in the literature in individuals affected with KIF11-related conditions. ClinVar contains an entry for this variant (Variation ID: 2023416). For these reasons, this variant has been classified as Pathogenic.

Literature cited by the submitters: PubMed 22284827; PubMed 24281367.

NM_004523.4(KIF11):c.2573C>G (p.Ser858Ter)

Gene: KIF11 (kinesin family member 11; plus strand). Cytogenetic location: 10q23.33.
Variant type: single nucleotide variant.
Coding change: c.2573C>G on transcript NM_004523.4 (MANE Select); coding-DNA position 2573, C replaced by G.
Protein change: p.Ser858Ter; replaces serine 858 with a stop codon.
Molecular consequence: nonsense.
Genome position (GRCh38, 1-based): chr10:92,648,237, C>G. VCF-style: chr10-92648237-C-G. GRCh37 (hg19) VCF-style: chr10-94407994-C-G.
Other names: short protein forms S858*.
Identifiers: ClinVar variation 2023416 (VCV002023416.4), dbSNP rs2492540806, ClinGen allele CA377805347.